The following is an entry in ClinVar:

NM_000395.3(CSF2RB):c.169G>A (p.Val57Ile)

Gene: CSF2RB (colony stimulating factor 2 receptor subunit beta; plus strand). Cytogenetic location: 22q12.3.
Variant type: single nucleotide variant.
Coding change: c.169G>A on transcript NM_000395.3 (MANE Select); coding-DNA position 169, G replaced by A.
Protein change: p.Val57Ile; replaces valine 57 with isoleucine.
Molecular consequence: missense variant.
Genome position (GRCh38, 1-based): chr22:36,923,336, G>A. VCF-style: chr22-36923336-G-A. GRCh37 (hg19) VCF-style: chr22-37319378-G-A.
Other names: c.169G>A (NM_000395.2); short protein forms V57I.
Identifiers: ClinVar variation 1514708 (VCV001514708.7), dbSNP rs368852888, ClinGen allele CA10213373.

ClinVar aggregate classification (germline): Conflicting classifications of pathogenicity. Review status: criteria provided, conflicting classifications (1 of 4 stars). 2 submissions from 2 submitters: Uncertain significance (1); Likely benign (1). Last evaluated 2025-11-19.

Conditions:
Inborn genetic diseases. Identifiers: MedGen C0950123, MeSH D030342.

Allele frequency attached by ClinVar (database versions not stated): TOPMed 0.00003; ExAC 0.00004; gnomAD exomes 0.00005; gnomAD 0.00006 and 0.00007; ESP Exome Variant Server 0.00008; 1000 Genomes Project 30x 0.00016; 1000 Genomes Project 0.00020.
gnomAD v4.1: 88 of 1,614,150 alleles (0.0055%); highest among the groups gnomAD compares: Admixed American, 0.013%; no homozygotes.

Submissions (2):

Labcorp Genetics (formerly Invitae), Labcorp
Classification: Uncertain significance. Last evaluated: 2025-11-19. Review status: criteria provided, single submitter. Criteria: Invitae Variant Classification Sherloc (09022015). Collection method: clinical testing. Allele origin: germline.
Comment: This sequence change replaces valine, which is neutral and non-polar, with isoleucine, which is neutral and non-polar, at codon 57 of the CSF2RB protein (p.Val57Ile). This variant is present in population databases (rs368852888, gnomAD 0.008%). This variant has not been reported in the literature in individuals affected with CSF2RB-related conditions. ClinVar contains an entry for this variant (Variation ID: 1514708). Invitae Evidence Modeling of protein sequence and biophysical properties (such as structural, functional, and spatial information, amino acid conservation, physicochemical variation, residue mobility, and thermodynamic stability) indicates that this missense variant is not expected to disrupt CSF2RB protein function with a negative predictive value of 80%. In summary, the available evidence is currently insufficient to determine the role of this variant in disease. Therefore, it has been classified as a Variant of Uncertain Significance.

Ambry Genetics
Classification: Likely benign for Inborn genetic diseases. Last evaluated: 2025-07-18. Review status: criteria provided, single submitter. Criteria: Ambry Variant Classification Scheme 2023. Collection method: clinical testing. Allele origin: germline.